The following is an entry in ClinVar:

ClinVar aggregate classification (germline): Conflicting classifications of pathogenicity. Review status: criteria provided, conflicting classifications (1 of 4 stars). 4 submissions from 4 submitters: Uncertain significance (3); Likely benign (1). Last evaluated 2026-06-02.

Conditions:
Hereditary cancer-predisposing syndrome. Also called: Tumor predisposition; Hereditary neoplastic syndrome; Hereditary Cancer Syndrome; Neoplastic Syndromes, Hereditary. Identifiers: Orphanet 140162, MedGen C0027672, MeSH D009386, MONDO:0015356.
Gastrointestinal stromal tumor. Also called: Gastrointestinal stroma tumor; Gastrointestinal stromal tumor, somatic. Identifiers: Orphanet 44890, MedGen C0238198, MeSH D046152, MONDO:0011719, OMIM 606764, HP:0100723.

Allele frequency attached by ClinVar (database versions not stated): gnomAD exomes below 0.00001 and 0.00001; ExAC 0.00002.
gnomAD v4.1: 6 of 1,614,134 alleles (0.00037%); highest among the groups gnomAD compares: Non-Finnish European, 0.00042%; no homozygotes.

Submissions (4):

Myriad Genetics, Inc.
Classification: Likely benign for Gastrointestinal stromal tumor. Last evaluated: 2026-06-02. Review status: criteria provided, single submitter. Criteria: Myriad Autosomal Dominant, Autosomal Recessive and X-Linked Classification Criteria (2023). Collection method: clinical testing. Allele origin: unknown.
Comment: This variant is considered likely benign. This variant has been observed at a population frequency that is significantly greater than expected given the associated disease prevalence and penetrance.

Labcorp Genetics (formerly Invitae), Labcorp
Classification: Uncertain significance for Gastrointestinal stromal tumor. Last evaluated: 2026-01-31. Review status: criteria provided, single submitter. Criteria: Invitae Variant Classification Sherloc (09022015). Collection method: clinical testing. Allele origin: germline.
Comment: This sequence change replaces serine, which is neutral and polar, with tyrosine, which is neutral and polar, at codon 966 of the KIT protein (p.Ser966Tyr). This variant is present in population databases (rs765503364, gnomAD 0.003%). This variant has not been reported in the literature in individuals affected with KIT-related conditions. ClinVar contains an entry for this variant (Variation ID: 528494). An algorithm developed to predict the effect of missense changes on protein structure and function (PolyPhen-2) suggests that this variant is likely to be disruptive. In summary, the available evidence is currently insufficient to determine the role of this variant in disease. Therefore, it has been classified as a Variant of Uncertain Significance.

Ambry Genetics
Classification: Uncertain significance for Hereditary cancer-predisposing syndrome. Last evaluated: 2025-11-25. Review status: criteria provided, single submitter. Criteria: Ambry Variant Classification Scheme 2023. Collection method: clinical testing. Allele origin: germline.

Baylor Genetics
Classification: Uncertain significance for Gastrointestinal stromal tumor. Last evaluated: 2023-06-07. Review status: criteria provided, single submitter. Criteria: ACMG Guidelines, 2015. Collection method: clinical testing. Allele origin: unknown.

NM_000222.3(KIT):c.2897C>A (p.Ser966Tyr)

Gene: KIT (KIT proto-oncogene, receptor tyrosine kinase; plus strand). Cytogenetic location: 4q12.
Variant type: single nucleotide variant.
Coding change: c.2897C>A on transcript NM_000222.3 (MANE Select); coding-DNA position 2897, C replaced by A.
Protein change: p.Ser966Tyr; replaces serine 966 with tyrosine.
Molecular consequence: missense variant.
Genome position (GRCh38, 1-based): chr4:54,738,523, C>A. VCF-style: chr4-54738523-C-A. GRCh37 (hg19) VCF-style: chr4-55604689-C-A.
Other names: c.2885C>A, p.Ser962Tyr (NM_001093772.2, NM_001385292.1); c.2900C>A, p.Ser967Tyr (NM_001385284.1); c.2894C>A, p.Ser965Tyr (NM_001385285.1); c.2882C>A, p.Ser961Tyr (NM_001385286.1); c.2888C>A, p.Ser963Tyr (NM_001385288.1); c.2897C>A, p.Ser966Tyr (NM_001385290.1); short protein forms S966Y, S962Y, S961Y, S963Y, S965Y, S967Y.
Identifiers: ClinVar variation 528494 (VCV000528494.14), dbSNP rs765503364, ClinGen allele CA2923896.